The following is an entry in ClinVar:

ClinVar aggregate classification (germline): Likely benign. Review status: criteria provided, multiple submitters, no conflicts (2 of 4 stars). 5 submissions from 5 submitters: Likely benign (5). Last evaluated 2025-03-26.

Conditions:
Cardiomyopathy (CMYO). Also called: Cardiomyopathies. Identifiers: Orphanet 167848, MedGen C0878544, MONDO:0004994, HP:0001638. Inheritance: Various modes of inheritance.
Cardiovascular phenotype. Identifiers: MedGen CN230736.
Hypertrophic cardiomyopathy. Also called: HYPERTROPHIC MYOCARDIOPATHY. Identifiers: Orphanet 217569, MedGen C0007194, MeSH D002312, MONDO:0005045, HP:0001639.

Allele frequency attached by ClinVar (database versions not stated): gnomAD 0.00001 and 0.00002; gnomAD exomes 0.00001 and 0.00002; TOPMed 0.00001; ExAC 0.00003; 1000 Genomes Project 30x 0.00016; 1000 Genomes Project 0.00020.
gnomAD v4.1: 20 of 1,613,600 alleles (0.0012%); highest among the groups gnomAD compares: Middle Eastern, 0.033%; 1 homozygote.

Submissions (5):

Labcorp Genetics (formerly Invitae), Labcorp
Classification: Likely benign for Hypertrophic cardiomyopathy. Last evaluated: 2025-03-26. Review status: criteria provided, single submitter. Criteria: Invitae Variant Classification Sherloc (09022015). Collection method: clinical testing. Allele origin: germline.

All of Us Research Program, National Institutes of Health
Classification: Likely benign for Hypertrophic cardiomyopathy. Last evaluated: 2023-09-17. Review status: criteria provided, single submitter. Criteria: ACMG Guidelines, 2015. Collection method: clinical testing. Allele origin: germline. Inheritance: Autosomal dominant inheritance. Observed: 2 variant alleles, 2 heterozygotes.
Comment: This study involves interpretation of variants in research participants for the purpose of population health screening. Participant phenotype was not available at the time of variant classification. Additional details can be found in publication PMID: 35346344, PMCID: PMC8962531

Ambry Genetics
Classification: Likely benign for Cardiovascular phenotype. Last evaluated: 2023-08-11. Review status: criteria provided, single submitter. Criteria: Ambry Variant Classification Scheme 2023. Collection method: clinical testing. Allele origin: germline.

Color Diagnostics, LLC DBA Color Health
Classification: Likely benign for Cardiomyopathy. Last evaluated: 2018-10-17. Review status: criteria provided, single submitter. Criteria: ACMG Guidelines, 2015. Collection method: clinical testing. Allele origin: germline.

GeneDx
Classification: Likely benign. Last evaluated: 2016-08-16. Review status: criteria provided, single submitter. Criteria: GeneDx Variant Classification (06012015). Collection method: clinical testing. Allele origin: germline. Affected: yes.
Comment: This variant is considered likely benign or benign based on one or more of the following criteria: it is a conservative change, it occurs at a poorly conserved position in the protein, it is predicted to be benign by multiple in silico algorithms, and/or has population frequency not consistent with disease.

NM_000258.3(MYL3):c.501C>T (p.Asp167=)

Gene: MYL3 (myosin light chain 3; minus strand). Cytogenetic location: 3p21.31.
Variant type: single nucleotide variant.
Coding change: c.501C>T on transcript NM_000258.3 (MANE Select); coding-DNA position 501, C replaced by T.
Protein change: p.Asp167=; no amino-acid change (aspartic acid 167 retained).
Molecular consequence: synonymous variant.
Genome position (GRCh38, 1-based): chr3:46,858,442, G>A on the plus strand (C>T on the coding strand, the complement: MYL3 is on the minus strand). VCF-style: chr3-46858442-G-A. GRCh37 (hg19) VCF-style: chr3-46899932-G-A.
Identifiers: ClinVar variation 388717 (VCV000388717.11), dbSNP rs552824036, ClinGen allele CA044630.